The following is an entry in ClinVar:

ClinVar aggregate classification (germline): Uncertain significance (1 of 4 stars; one submission).

Allele frequency attached by ClinVar (database versions not stated): gnomAD exomes below 0.00001; TOPMed below 0.00001; ExAC 0.00001; gnomAD 0.00001.
gnomAD v4.1: 2 of 1,613,430 alleles (0.00012%); highest among the groups gnomAD compares: Non-Finnish European, 0.00017%; no homozygotes.

Submission:

GeneDx
Classification: Uncertain significance. Last evaluated: 2019-06-18. Review status: criteria provided, single submitter. Criteria: GeneDx Variant Classification Process June 2021. Collection method: clinical testing. Allele origin: germline. Affected: yes.
Comment: In silico analysis, which includes protein predictors and evolutionary conservation, supports a deleterious effect; Identified in a patient with gray platelet syndrome, along with three other variants in the same gene, in published literature (Albers et al., 2011); This variant is associated with the following publications: (PMID: 29869935, 27348543, 21765411)

NM_015175.3(NBEAL2):c.6806C>T (p.Ser2269Leu)

Gene: NBEAL2 (neurobeachin like 2; plus strand). Cytogenetic location: 3p21.31.
Variant type: single nucleotide variant.
Coding change: c.6806C>T on transcript NM_015175.3 (MANE Select); coding-DNA position 6806, C replaced by T.
Protein change: p.Ser2269Leu; replaces serine 2269 with leucine.
Molecular consequence: missense variant.
Genome position (GRCh38, 1-based): chr3:47,005,950, C>T. VCF-style: chr3-47005950-C-T. GRCh37 (hg19) VCF-style: chr3-47047440-C-T.
Other names: c.6704C>T, p.Ser2235Leu (NM_001365116.2); short protein forms S2235L, S2269L.
Identifiers: ClinVar variation 1202288 (VCV001202288.3), dbSNP rs749896920, ClinGen allele CA2361973.